The following is an entry in ClinVar:

NC_012920.1(MT-ND5):m.13681A>T

Gene: MT-ND5 (mitochondrially encoded NADH dehydrogenase 5; plus strand).
Variant type: single nucleotide variant.
Genome position: chrM-13681-A-T.
Identifiers: ClinVar variation 693592 (VCV000693592.1), dbSNP rs386829187, ClinGen allele CA337099772.

ClinVar aggregate classification (germline): Likely benign (1 of 4 stars; one submission).

Conditions:
Leigh syndrome (NULS). Also called: Leigh's necrotizing encephalopathy; Leigh's disease; Leigh's syndrome; LEIGH SYNDROME, NUCLEAR; Leigh Syndrome (mtDNA deletion); Leigh Disease. Identifiers: Orphanet 506, MedGen C2931891, MONDO:0009723, OMIM 256000.

Submission:

Wong Mito Lab, Molecular and Human Genetics, Baylor College of Medicine
Classification: Likely benign for Leigh syndrome. Last evaluated: 2019-10-17. Review status: criteria provided, single submitter. Criteria: Modified ACMG Guidelines (Unpublished). Collection method: clinical testing. Allele origin: germline.
Comment: The NC_012920.1:m.13681A>T (YP_003024036.1:p.Thr449Ser) variant in MTND5 gene is interpretated to be a Likely Benign variant based on the modified ACMG guidelines (unpublished). This variant meets the following evidence codes: BS4, BP4